The following is an entry in ClinVar:

NM_000719.7(CACNA1C):c.6066T>G (p.Ala2022=)

Genes: CACNA1C (calcium voltage-gated channel subunit alpha1 C; plus strand), CACNA1C-AS1 (CACNA1C antisense RNA 1; minus strand). Cytogenetic location: 12p13.33.
Variant type: single nucleotide variant.
Coding change: c.6066T>G on transcript NM_000719.7 (MANE Select); coding-DNA position 6066, T replaced by G.
Protein change: p.Ala2022=; no amino-acid change (alanine 2022 retained).
Molecular consequence: synonymous variant.
Genome position (GRCh38, 1-based): chr12:2,688,728, T>G. VCF-style: chr12-2688728-T-G. GRCh37 (hg19) VCF-style: chr12-2797894-T-G.
Other names: c.6210T>G, p.Ala2070= (NM_001129827.2); c.6189T>G, p.Ala2063= (NM_001129829.2); c.6171T>G, p.Ala2057= (NM_001129830.3, NM_001167624.3); c.6150T>G, p.Ala2050= (NM_001129831.2); c.6126T>G, p.Ala2042= (NM_001129832.2); c.6123T>G, p.Ala2041= (NM_001129833.2, NM_001129834.2, NM_001129835.2); c.6117T>G, p.Ala2039= (NM_001129836.2); c.6090T>G, p.Ala2030= (NM_001129837.2, NM_001129838.2); and 6 more.
Identifiers: ClinVar variation 4823536 (VCV004823536.4).

ClinVar aggregate classification (germline): Likely benign (1 of 4 stars; one submission).

Submission:

CeGaT Center for Human Genetics Tuebingen
Classification: Likely benign. Last evaluated: 2026-03-01. Review status: criteria provided, single submitter. Criteria: CeGaT Center For Human Genetics Tuebingen Variant Classification Criteria Version 2. Collection method: clinical testing. Allele origin: germline. Affected: yes. Observed: 1 variant allele.
Comment: CACNA1C: PM2:Supporting, BP4, BP7